The following is an entry in ClinVar:

NM_000255.4(MMUT):c.1740_1741delinsAT (p.Asp580_Arg581delinsGluTer)

Gene: MMUT (methylmalonyl-CoA mutase; minus strand). Cytogenetic location: 6p12.3.
Variant type: Indel.
Coding change: c.1740_1741delinsAT on transcript NM_000255.4 (MANE Select); coding-DNA positions 1740 to 1741, TC replaced by AT.
Protein change: p.Asp580_Arg581delinsGluTer.
Molecular consequence: nonsense.
Genome position (GRCh38, 1-based): chr6:49,441,907-49,441,908, GA replaced by AT on the plus strand (TC replaced by AT on the coding strand, the reverse complement: MMUT is on the minus strand). VCF-style: chr6-49441907-GA-AT. GRCh37 (hg19) VCF-style: chr6-49409620-GA-AT.
Identifiers: ClinVar variation 4699724 (VCV004699724.1).

ClinVar aggregate classification (germline): Pathogenic (1 of 4 stars; one submission).

Submission:

Labcorp Genetics (formerly Invitae), Labcorp
Classification: Pathogenic. Last evaluated: 2025-11-16. Review status: criteria provided, single submitter. Criteria: Invitae Variant Classification Sherloc (09022015). Collection method: clinical testing. Allele origin: germline.
Comment: This sequence change creates a premature translational stop signal (p.Asp580delinsGlu*) in the MUT gene. It is expected to result in an absent or disrupted protein product. Loss-of-function variants in MUT are known to be pathogenic (PMID: 15781192). Information on the frequency of this variant in the gnomAD database is not available, as this variant may be reported differently in the database. This variant has not been reported in the literature in individuals affected with MUT-related conditions. For these reasons, this variant has been classified as Pathogenic.

Literature cited by the submitters: PubMed 15781192.